The following is an entry in ClinVar:

NM_001367561.1(DOCK7):c.4820C>T (p.Thr1607Ile)

Gene: DOCK7 (dedicator of cytokinesis 7; minus strand). Cytogenetic location: 1p31.3.
Variant type: single nucleotide variant.
Coding change: c.4820C>T on transcript NM_001367561.1 (MANE Select); coding-DNA position 4820, C replaced by T.
Protein change: p.Thr1607Ile; replaces threonine 1607 with isoleucine.
Molecular consequence: missense variant.
Genome position (GRCh38, 1-based): chr1:62,496,442, G>A on the plus strand (C>T on the coding strand, the complement: DOCK7 is on the minus strand). VCF-style: chr1-62496442-G-A. GRCh37 (hg19) VCF-style: chr1-62962113-G-A.
Other names: c.4793C>T, p.Thr1598Ile (NM_001271999.2, NM_001330614.2); c.4700C>T, p.Thr1567Ile (NM_001272000.2, NM_001272001.2); c.4727C>T, p.Thr1576Ile (NM_033407.4); short protein forms T1567I, T1576I, T1598I, T1607I.
Identifiers: ClinVar variation 1053906 (VCV001053906.11), dbSNP rs2149303353, ClinGen allele CA340614624.

ClinVar aggregate classification (germline): Uncertain significance (1 of 4 stars; one submission).

Conditions:
Developmental and epileptic encephalopathy, 23 (DEE23). Also called: Epileptic encephalopathy, early infantile, 23. Identifiers: Orphanet 411986, MedGen C4014492, MONDO:0014371, OMIM 615859.

Submission:

Labcorp Genetics (formerly Invitae), Labcorp
Classification: Uncertain significance for Developmental and epileptic encephalopathy, 23. Last evaluated: 2024-10-22. Review status: criteria provided, single submitter. Criteria: Invitae Variant Classification Sherloc (09022015). Collection method: clinical testing. Allele origin: germline.
Comment: This sequence change replaces threonine, which is neutral and polar, with isoleucine, which is neutral and non-polar, at codon 1598 of the DOCK7 protein (p.Thr1598Ile). This variant is not present in population databases (gnomAD no frequency). This variant has not been reported in the literature in individuals affected with DOCK7-related conditions. ClinVar contains an entry for this variant (Variation ID: 1053906). Invitae Evidence Modeling of protein sequence and biophysical properties (such as structural, functional, and spatial information, amino acid conservation, physicochemical variation, residue mobility, and thermodynamic stability) indicates that this missense variant is not expected to disrupt DOCK7 protein function with a negative predictive value of 80%. In summary, the available evidence is currently insufficient to determine the role of this variant in disease. Therefore, it has been classified as a Variant of Uncertain Significance.